The following is an entry in ClinVar:

NM_004999.4(MYO6):c.558C>A (p.Asn186Lys)

Gene: MYO6 (myosin VI; plus strand). Cytogenetic location: 6q14.1.
Variant type: single nucleotide variant.
Coding change: c.558C>A on transcript NM_004999.4 (MANE Select); coding-DNA position 558, C replaced by A.
Protein change: p.Asn186Lys; replaces asparagine 186 with lysine.
Molecular consequence: missense variant. On other transcripts: non-coding transcript variant (2), intron variant (1).
Genome position (GRCh38, 1-based): chr6:75,840,589, C>A. VCF-style: chr6-75840589-C-A. GRCh37 (hg19) VCF-style: chr6-76550306-C-A.
Other names: c.558C>A, p.Asn186Lys (NM_001300899.2, NM_001368136.1, NM_001368137.1 and 4 more transcripts); c.554-11C>A (NM_001368138.1); short protein forms N186K.
Identifiers: ClinVar variation 45165 (VCV000045165.6), dbSNP rs397517054, ClinGen allele CA135644.

ClinVar aggregate classification (germline): Uncertain significance. Review status: criteria provided, multiple submitters, no conflicts (2 of 4 stars). 2 submissions from 2 submitters: Uncertain significance (2). Last evaluated 2023-09-08.

Allele frequency attached by ClinVar (database versions not stated): ExAC 0.00001.
gnomAD v4.1: 2 of 1,612,748 alleles (0.00012%); highest among the groups gnomAD compares: Non-Finnish European, 0.00017%; no homozygotes.

Submissions (2):

Blueprint Genetics
Classification: Uncertain significance. Last evaluated: 2023-09-08. Review status: criteria provided, single submitter. Criteria: ACMG Guidelines, 2015. Collection method: clinical testing. Allele origin: germline.

Laboratory for Molecular Medicine, Mass General Brigham Personalized Medicine
Classification: Uncertain significance. Last evaluated: 2012-05-29. Review status: criteria provided, single submitter. Criteria: LMM Criteria. Collection method: clinical testing. Allele origin: germline. Observed: 1 variant allele.
Comment: The Asn186Lys variant (MYO6) has not been reported in the literature nor previou sly identified by our laboratory. Computational analyses (biochemical amino acid properties, conservation, PolyPhen2, and SIFT) suggest that the Asn186Lys varia nt may impact the protein, though this information is not predictive enough to d etermine pathogenicity.

Literature cited by the submitters: PubMed 11468689 (cited by Laboratory for Molecular Medicine, Mass General Brigham Personalized Medicine); PubMed 15060111 (cited by Laboratory for Molecular Medicine, Mass General Brigham Personalized Medicine); PubMed 18348273 (cited by Laboratory for Molecular Medicine, Mass General Brigham Personalized Medicine); PubMed 18212818 (cited by Laboratory for Molecular Medicine, Mass General Brigham Personalized Medicine).